The following is an entry in ClinVar:

ClinVar aggregate classification (germline): Uncertain significance. Review status: criteria provided, multiple submitters, no conflicts (2 of 4 stars). 2 submissions from 2 submitters: Uncertain significance (2). Last evaluated 2023-11-12.

Allele frequency attached by ClinVar (database versions not stated): gnomAD exomes below 0.00001; gnomAD 0.00001; TOPMed 0.00001.
gnomAD v4.1: 5 of 1,614,078 alleles (0.00031%); highest among the groups gnomAD compares: Non-Finnish European, 0.00042%; no homozygotes.

Submissions (2):

GeneDx
Classification: Uncertain significance. Last evaluated: 2023-11-12. Review status: criteria provided, single submitter. Criteria: GeneDx Variant Classification Process June 2021. Collection method: clinical testing. Allele origin: germline. Affected: yes.
Comment: Not observed at significant frequency in large population cohorts (gnomAD); In silico analysis supports that this missense variant does not alter protein structure/function; Has not been previously published as pathogenic or benign to our knowledge

Athena Diagnostics
Classification: Uncertain significance. Last evaluated: 2023-03-06. Review status: criteria provided, single submitter. Criteria: Athena Diagnostics Criteria. Collection method: clinical testing. Allele origin: unknown.
Comment: Available data are insufficient to determine the clinical significance of the variant at this time. The frequency of this variant in the general population is uninformative in assessment of its pathogenicity. Computational tools predict that this variant is not damaging.

NM_182961.4(SYNE1):c.11521G>A (p.Val3841Ile)

Gene: SYNE1 (spectrin repeat containing nuclear envelope protein 1; minus strand). Cytogenetic location: 6q25.2.
Variant type: single nucleotide variant.
Coding change: c.11521G>A on transcript NM_182961.4 (MANE Select); coding-DNA position 11521, G replaced by A.
Protein change: p.Val3841Ile; replaces valine 3841 with isoleucine.
Molecular consequence: missense variant.
Genome position (GRCh38, 1-based): chr6:152,352,086, C>T on the plus strand (G>A on the coding strand, the complement: SYNE1 is on the minus strand). VCF-style: chr6-152352086-C-T. GRCh37 (hg19) VCF-style: chr6-152673221-C-T.
Other names: c.11476G>A, p.Val3826Ile (NM_033071.5); short protein forms V3826I, V3841I.
Identifiers: ClinVar variation 448545 (VCV000448545.6), dbSNP rs1323758453, ClinGen allele CA366119557.
Genomic context (GRCh38, chr6:152,352,086, plus strand): 5'-CCTTGTATTTAGATAACTGAGCTTTTTTCTCATATAATTCCATTTTGGGTTCTTCAGGAA[C>T]ATGTAGAATTTCCTGGTATTCTGCTATCCACTGTGTCAGTGCTTTGCATTTATCTGAGAA-3'
Protein context (NP_892006.3, residues 3831-3851): WIAEYQEILH[Val3841Ile]PEEPKMELYE